The following is an entry in ClinVar:

ClinVar aggregate classification (germline): Uncertain significance (1 of 4 stars; one submission).

Conditions:
Hajdu-Cheney syndrome (HJCYS). Also called: SERPENTINE FIBULA-POLYCYSTIC KIDNEY SYNDROME; Acroosteolysis dominant type; ACROOSTEOLYSIS WITH OSTEOPOROSIS AND CHANGES IN SKULL AND MANDIBLE. Identifiers: Orphanet 955, MedGen C0917715, MONDO:0007057, OMIM 102500.

gnomAD v4.1: 1 of 1,614,130 alleles (0.000062%); highest among the groups gnomAD compares: Non-Finnish European, 0.000085%; no homozygotes.

Submission:

Labcorp Genetics (formerly Invitae), Labcorp
Classification: Uncertain significance for Hajdu-Cheney syndrome. Last evaluated: 2021-08-16. Review status: criteria provided, single submitter. Criteria: Invitae Variant Classification Sherloc (09022015). Collection method: clinical testing. Allele origin: germline.
Comment: This variant is not present in population databases (ExAC no frequency). In summary, the available evidence is currently insufficient to determine the role of this variant in disease. Therefore, it has been classified as a Variant of Uncertain Significance. Advanced modeling of protein sequence and biophysical properties (such as structural, functional, and spatial information, amino acid conservation, physicochemical variation, residue mobility, and thermodynamic stability) performed at Invitae indicates that this missense variant is not expected to disrupt NOTCH2 protein function. This variant has not been reported in the literature in individuals affected with NOTCH2-related conditions. This sequence change replaces phenylalanine with isoleucine at codon 2268 of the NOTCH2 protein (p.Phe2268Ile). The phenylalanine residue is highly conserved and there is a small physicochemical difference between phenylalanine and isoleucine.

NM_024408.4(NOTCH2):c.6802T>A (p.Phe2268Ile)

Gene: NOTCH2 (notch receptor 2; minus strand). Cytogenetic location: 1p12.
Variant type: single nucleotide variant.
Coding change: c.6802T>A on transcript NM_024408.4 (MANE Select); coding-DNA position 6802, T replaced by A.
Protein change: p.Phe2268Ile; replaces phenylalanine 2268 with isoleucine.
Molecular consequence: missense variant.
Genome position (GRCh38, 1-based): chr1:119,915,920, A>T on the plus strand (T>A on the coding strand, the complement: NOTCH2 is on the minus strand). VCF-style: chr1-119915920-A-T. GRCh37 (hg19) VCF-style: chr1-120458543-A-T.
Other names: short protein forms F2268I.
Identifiers: ClinVar variation 1473714 (VCV001473714.6), dbSNP rs149580724, ClinGen allele CA341875733.